The following is an entry in ClinVar:

ClinVar aggregate classification (germline): Conflicting classifications of pathogenicity. Review status: criteria provided, conflicting classifications (1 of 4 stars). 4 submissions from 4 submitters: Uncertain significance (1); Benign (1); Likely benign (2). Last evaluated 2026-09-01.

Conditions:
Vitamin K-dependent clotting factors, combined deficiency of, type 1. Also called: FACTORS II, VII, IX, AND X, COMBINED DEFICIENCY OF; FAMILIAL MULTIPLE COAGULATION FACTOR DEFICIENCY III; FMFD III; GLUTAMIC ACID, DEFICIENT GAMMA-CARBOXYLATION OF; MULTIPLE COAGULATION FACTOR DEFICIENCY III; VITAMIN K-DEPENDENT COAGULATION DEFECT. Identifiers: Orphanet 98434, MedGen C1848534, MONDO:0010187, OMIM 277450.

Allele frequency attached by ClinVar (database versions not stated): 1000 Genomes Project 0.00040; 1000 Genomes Project 30x 0.00047; ESP Exome Variant Server 0.00062; gnomAD 0.00089 and 0.00096; ExAC 0.00093; TOPMed 0.00094; gnomAD exomes 0.00096 and 0.00168.
gnomAD v4.1: 2,554 of 1,613,798 alleles (0.16%); highest among the groups gnomAD compares: Non-Finnish European, 0.2%; 2 homozygotes.

Submissions (4):

CeGaT Center for Human Genetics Tuebingen
Classification: Likely benign. Last evaluated: 2026-09-01. Review status: criteria provided, single submitter. Criteria: CeGaT Center For Human Genetics Tuebingen Variant Classification Criteria Version 2. Collection method: clinical testing. Allele origin: germline. Affected: yes. Observed: 2 variant alleles.
Comment: GGCX: BP4, BP7

Labcorp Genetics (formerly Invitae), Labcorp
Classification: Benign. Last evaluated: 2026-01-25. Review status: criteria provided, single submitter. Criteria: Invitae Variant Classification Sherloc (09022015). Collection method: clinical testing. Allele origin: germline.

Blueprint Genetics
Classification: Likely benign. Last evaluated: 2024-11-26. Review status: criteria provided, single submitter. Criteria: ACMG Guidelines, 2015. Collection method: clinical testing. Allele origin: germline.

Illumina Laboratory Services, Illumina
Classification: Uncertain significance for Vitamin K-dependent clotting factors, combined deficiency of, type 1. Last evaluated: 2017-04-27. Review status: criteria provided, single submitter. Criteria: ICSL Variant Classification Criteria 13 December 2019. Collection method: clinical testing. Allele origin: germline.

NM_000821.7(GGCX):c.1743G>A (p.Leu581=)

Gene: GGCX (gamma-glutamyl carboxylase; minus strand). Cytogenetic location: 2p11.2.
Variant type: single nucleotide variant.
Coding change: c.1743G>A on transcript NM_000821.7 (MANE Select); coding-DNA position 1743, G replaced by A.
Protein change: p.Leu581=; no amino-acid change (leucine 581 retained).
Molecular consequence: synonymous variant.
Genome position (GRCh38, 1-based): chr2:85,551,070, C>T on the plus strand (G>A on the coding strand, the complement: GGCX is on the minus strand). VCF-style: chr2-85551070-C-T. GRCh37 (hg19) VCF-style: chr2-85778193-C-T.
Other names: c.1572G>A, p.Leu524= (NM_001142269.4).
Identifiers: ClinVar variation 895040 (VCV000895040.13), dbSNP rs56165933, ClinGen allele CA1741738.